The following is an entry in ClinVar:

NM_002878.4(RAD51D):c.421C>T (p.Leu141=)

Genes: RAD51D (RAD51 paralog D; minus strand), RAD51L3-RFFL (RAD51L3-RFFL readthrough; minus strand). Cytogenetic location: 17q12.
Variant type: single nucleotide variant.
Coding change: c.421C>T on transcript NM_002878.4 (MANE Select); coding-DNA position 421, C replaced by T.
Protein change: p.Leu141=; no amino-acid change (leucine 141 retained).
Molecular consequence: synonymous variant. On other transcripts: non-coding transcript variant (1), intron variant (1).
Genome position (GRCh38, 1-based): chr17:35,107,047, G>A on the plus strand (C>T on the coding strand, the complement: RAD51D is on the minus strand). VCF-style: chr17-35107047-G-A. GRCh37 (hg19) VCF-style: chr17-33434066-G-A.
Other names: c.481C>T, p.Leu161= (NM_001142571.2); c.145-566C>T (NM_133629.3).
Identifiers: ClinVar variation 390470 (VCV000390470.4), dbSNP rs1057523780, ClinGen allele CA16607569.

ClinVar aggregate classification (germline): Likely benign. Review status: criteria provided, multiple submitters, no conflicts (2 of 4 stars). 3 submissions from 3 submitters: Likely benign (3). Last evaluated 2026-01-26.

Conditions:
Hereditary cancer-predisposing syndrome. Also called: Hereditary Cancer Syndrome; Hereditary neoplastic syndrome; Neoplastic Syndromes, Hereditary; Tumor predisposition. Identifiers: Orphanet 140162, MedGen C0027672, MeSH D009386, MONDO:0015356.
Breast-ovarian cancer, familial, susceptibility to, 4. Identifiers: Orphanet 145, MedGen C3280345, MONDO:0013669, OMIM 614291.

Submissions (3):

Labcorp Genetics (formerly Invitae), Labcorp
Classification: Likely benign for Breast-ovarian cancer, familial, susceptibility to, 4. Last evaluated: 2026-01-26. Review status: criteria provided, single submitter. Criteria: Invitae Variant Classification Sherloc (09022015). Collection method: clinical testing. Allele origin: germline.

Ambry Genetics
Classification: Likely benign for Hereditary cancer-predisposing syndrome. Last evaluated: 2022-05-25. Review status: criteria provided, single submitter. Criteria: Ambry Variant Classification Scheme 2023. Collection method: clinical testing. Allele origin: germline.

GeneDx
Classification: Likely benign. Last evaluated: 2016-10-25. Review status: criteria provided, single submitter. Criteria: GeneDx Variant Classification (06012015). Collection method: clinical testing. Allele origin: germline. Affected: yes.
Comment: This variant is considered likely benign or benign based on one or more of the following criteria: it is a conservative change, it occurs at a poorly conserved position in the protein, it is predicted to be benign by multiple in silico algorithms, and/or has population frequency not consistent with disease.